The following is an entry in ClinVar:

ClinVar aggregate classification (germline): Uncertain significance. Review status: criteria provided, multiple submitters, no conflicts (2 of 4 stars). 2 submissions from 2 submitters: Uncertain significance (2). Last evaluated 2025-08-18.

Conditions:
Tuberous sclerosis 2 (TSC2). Identifiers: Orphanet 805, MedGen C1860707, MONDO:0013199, OMIM 613254.

Allele frequency attached by ClinVar (database versions not stated): gnomAD exomes below 0.00001.
gnomAD v4.1: 3 of 1,614,150 alleles (0.00019%); highest among the groups gnomAD compares: Non-Finnish European, 0.00025%; no homozygotes.

Submissions (2):

Labcorp Genetics (formerly Invitae), Labcorp
Classification: Uncertain significance for Tuberous sclerosis 2. Last evaluated: 2025-08-18. Review status: criteria provided, single submitter. Criteria: Invitae Variant Classification Sherloc (09022015). Collection method: clinical testing. Allele origin: germline.
Comment: This sequence change replaces aspartic acid, which is acidic and polar, with glutamic acid, which is acidic and polar, at codon 376 of the TSC2 protein (p.Asp376Glu). This variant is not present in population databases (gnomAD no frequency). This variant has not been reported in the literature in individuals affected with TSC2-related conditions. ClinVar contains an entry for this variant (Variation ID: 2799067). Invitae Evidence Modeling of protein sequence and biophysical properties (such as structural, functional, and spatial information, amino acid conservation, physicochemical variation, residue mobility, and thermodynamic stability) indicates that this missense variant is not expected to disrupt TSC2 protein function with a negative predictive value of 95%. In summary, the available evidence is currently insufficient to determine the role of this variant in disease. Therefore, it has been classified as a Variant of Uncertain Significance.

GeneDx
Classification: Uncertain significance. Last evaluated: 2024-05-20. Review status: criteria provided, single submitter. Criteria: GeneDx Variant Classification Process June 2021. Collection method: clinical testing. Allele origin: germline. Affected: yes.
Comment: Not observed at significant frequency in large population cohorts (gnomAD); In silico analysis indicates that this missense variant does not alter protein structure/function; Has not been previously published as pathogenic or benign to our knowledge; This variant is associated with the following publications: (PMID: 18466115)

NM_000548.5(TSC2):c.1128C>G (p.Asp376Glu)

Gene: TSC2 (TSC complex subunit 2; plus strand). Cytogenetic location: 16p13.3.
Variant type: single nucleotide variant.
Coding change: c.1128C>G on transcript NM_000548.5 (MANE Select); coding-DNA position 1128, C replaced by G.
Protein change: p.Asp376Glu; replaces aspartic acid 376 with glutamic acid.
Molecular consequence: missense variant. On other transcripts: 5 prime UTR variant (10), non-coding transcript variant (5).
Genome position (GRCh38, 1-based): chr16:2,061,879, C>G. VCF-style: chr16-2061879-C-G. GRCh37 (hg19) VCF-style: chr16-2111880-C-G.
Other names: c.1116C>G, p.Asp372Glu (NM_001406673.1, NM_001406671.1); c.981C>G, p.Asp327Glu (NM_001406675.1, NM_001406676.1, NM_001406679.1 and 1 more transcripts); c.1071C>G, p.Asp357Glu (NM_001406677.1); c.1017C>G, p.Asp339Glu (NM_001406678.1, NM_001318827.2, NM_001406670.1); c.528C>G, p.Asp176Glu (NM_001406680.1, NM_001406682.1, NM_001406683.1 and 6 more transcripts); c.666C>G, p.Asp222Glu (NM_001406681.1); c.1128C>G, p.Asp376Glu (NM_001077183.3, NM_001114382.3, NM_001363528.2 and 6 more transcripts); c.1161C>G, p.Asp387Glu (NM_001318832.2); and 4 more; short protein forms D339E, D357E, D376E, D406E, D176E, D372E, D387E, D222E.
Identifiers: ClinVar variation 2799067 (VCV002799067.4), dbSNP rs1183791367, ClinGen allele CA394319834.